The following is an entry in ClinVar:

ClinVar aggregate classification (germline): Uncertain significance (1 of 4 stars; one submission).

Conditions:
Intellectual developmental disorder, X-linked, syndromic, with pigmentary mosaicism and coarse facies. Identifiers: MedGen C5561930, MONDO:0859080, OMIM 301066.

Submission:

Neuberg Centre For Genomic Medicine, NCGM
Classification: Uncertain significance for Intellectual developmental disorder, X-linked, syndromic, with pigmentary mosaicism and coarse facies. Last evaluated: 2023-02-14. Review status: criteria provided, single submitter. Criteria: ACMG Guidelines, 2015. Collection method: clinical testing. Allele origin: germline. Inheritance: X-linked inheritance. Affected: yes.
Comment: The missense c.611T>C (p.Leu204Pro) in GIMAP5 gene has been reported previously in homozygous state in individuals affected with GIMAP5-associated hypertension (Patterson et al. 2018; Drzewiecki et al. 2021). Experimental studies demonstrated an undetectable protein expression of both GIMAP5 isoforms for this variant (Patterson et al. 2018). This variant is reported with an allele frequency of 0.2% in the gnomAD exomes database. This variant has been reported to the ClinVar database as Likely Pathogenic / Pathogenic. The amino acid change p.Leu204Pro in GIMAP5 is predicted as conserved by GERP++ and PhyloP across 100 vertebrates. The amino acid Leu at position 204 is changed to a Pro changing protein sequence and it might alter its composition and physico-chemical properties. For these reasons, this variant has been classified as Pathogenic.

NM_006521.6(TFE3):c.780+1_780+2dup

Gene: TFE3 (transcription factor binding to IGHM enhancer 3; minus strand). Cytogenetic location: Xp11.23.
Variant type: Duplication.
Coding change: c.780+1_780+2dup on transcript NM_006521.6 (MANE Select); the canonical splice donor site of the intron after coding-DNA position 780, 2 bases duplicated (GT; older notation c.780+1_780+2dupGT).
Molecular consequence: splice donor variant.
Genome position (GRCh38, 1-based): chrX:49,038,195-49,038,196, AC duplicated on the plus strand (GT on the coding strand, the reverse complement: TFE3 is on the minus strand). VCF-style (leftmost placement, unchanged base first): chrX-49038194-T-TAC. GRCh37 (hg19) VCF-style: chrX-48895719-T-TAC.
Other names: c.465+1_465+2dup (NM_001282142.2).
Identifiers: ClinVar variation 2671717 (VCV002671717.1), dbSNP rs2520160935, ClinGen allele CA2695200198.